The following is an entry in ClinVar:

ClinVar aggregate classification (germline): Uncertain significance (1 of 4 stars; one submission).

Submission:

Women's Health and Genetics/Laboratory Corporation of America, LabCorp
Classification: Uncertain significance. Last evaluated: 2025-05-22. Review status: criteria provided, single submitter. Criteria: LabCorp Variant Classification Summary - May 2015. Collection method: clinical testing. Allele origin: germline.
Comment: Variant summary: CPS1 c.2731G>C (p.Gly911Arg) results in a non-conservative amino acid change in the encoded protein sequence. Algorithms developed to predict the effect of missense changes on protein structure and function all suggest that this variant is likely to be disruptive. The variant was absent in 251344 control chromosomes. The available data on variant occurrences in the general population are insufficient to allow any conclusion about variant significance. To our knowledge, no occurrence of c.2731G>C in individuals affected with Carbamoylphosphate Synthetase I Deficiency and no experimental evidence demonstrating its impact on protein function have been reported. No submitters have cited clinical-significance assessments for this variant to ClinVar. Based on the evidence outlined above, the variant was classified as uncertain significance.

NM_001875.5(CPS1):c.2731G>C (p.Gly911Arg)

Gene: CPS1 (carbamoyl-phosphate synthase 1; plus strand). Cytogenetic location: 2q34.
Variant type: single nucleotide variant.
Coding change: c.2731G>C on transcript NM_001875.5 (MANE Select); coding-DNA position 2731, G replaced by C.
Protein change: p.Gly911Arg; replaces glycine 911 with arginine.
Molecular consequence: missense variant. On other transcripts: non-coding transcript variant (2).
Genome position (GRCh38, 1-based): chr2:210,637,745, G>C. VCF-style: chr2-210637745-G-C. GRCh37 (hg19) VCF-style: chr2-211502469-G-C.
Other names: c.2731G>C, p.Gly911Arg (NM_001122633.3, NM_001369257.1); c.2764G>C, p.Gly922Arg (NM_001369256.1); short protein forms G911R, G922R.
Identifiers: ClinVar variation 3902751 (VCV003902751.1).